The following is an entry in ClinVar:

ClinVar aggregate classification (germline): Uncertain significance (1 of 4 stars; one submission).

Conditions:
Inborn genetic diseases. Identifiers: MedGen C0950123, MeSH D030342.

gnomAD v4.1: 1 of 1,614,178 alleles (0.000062%); highest among the groups gnomAD compares: Non-Finnish European, 0.000085%; no homozygotes.

Submission:

Ambry Genetics
Classification: Uncertain significance for Inborn genetic diseases. Last evaluated: 2026-05-24. Review status: criteria provided, single submitter. Criteria: Ambry Variant Classification Scheme 2023. Collection method: clinical testing. Allele origin: germline.
Comment: The p.Q190R variant (also known as c.569A>G), located in coding exon 5 of the BUB1B gene, results from an A to G substitution at nucleotide position 569. The glutamine at codon 190 is replaced by arginine, an amino acid with highly similar properties. This amino acid position is conserved. In addition, this alteration is predicted to be tolerated by in silico analysis. Based on the available evidence, the clinical significance of this variant remains unclear.

NM_001211.6(BUB1B):c.569A>G (p.Gln190Arg)

Gene: BUB1B (BUB1 mitotic checkpoint serine/threonine kinase B; plus strand). Cytogenetic location: 15q15.1.
Variant type: single nucleotide variant.
Coding change: c.569A>G on transcript NM_001211.6 (MANE Select); coding-DNA position 569, A replaced by G.
Protein change: p.Gln190Arg; replaces glutamine 190 with arginine.
Molecular consequence: missense variant.
Genome position (GRCh38, 1-based): chr15:40,176,661, A>G. VCF-style: chr15-40176661-A-G. GRCh37 (hg19) VCF-style: chr15-40468862-A-G.
Other names: short protein forms Q190R.
Identifiers: ClinVar variation 4867974 (VCV004867974.1).